The following is an entry in ClinVar:

NM_014363.6(SACS):c.2182C>T (p.Arg728Ter)

Gene: SACS (sacsin molecular chaperone; minus strand). Cytogenetic location: 13q12.12.
Variant type: single nucleotide variant.
Coding change: c.2182C>T on transcript NM_014363.6 (MANE Select); coding-DNA position 2182, C replaced by T.
Protein change: p.Arg728Ter; replaces arginine 728 with a stop codon.
Molecular consequence: nonsense.
Genome position (GRCh38, 1-based): chr13:23,353,788, G>A on the plus strand (C>T on the coding strand, the complement: SACS is on the minus strand). VCF-style: chr13-23353788-G-A. GRCh37 (hg19) VCF-style: chr13-23927927-G-A.
Other names: NM_014363.6(SACS):c.2182C>T; p.Arg728Ter; c.1741C>T, p.Arg581Ter (NM_001278055.2); short protein forms R728*, R581*.
Identifiers: ClinVar variation 280095 (VCV000280095.33), dbSNP rs752059006, ClinGen allele CA6911751.

ClinVar aggregate classification (germline): Pathogenic/Likely pathogenic. Review status: criteria provided, multiple submitters, no conflicts (2 of 4 stars). 16 submissions from 16 submitters: Pathogenic (11); Likely pathogenic (3). 2 of the submissions do not count toward it. Last evaluated 2025-08-26.

Conditions:
SACS-related disorder. Also called: SACS-related condition.
Spastic paraplegia. Identifiers: MedGen C0037772, HP:0001258.
Hereditary spastic paraplegia. Also called: Familial spastic paraparesis. Identifiers: Orphanet 685, MedGen C0037773, MONDO:0019064. Disease mechanism: loss of function.
Charlevoix-Saguenay spastic ataxia (SACS). Also called: Spastic ataxia of Charlevoix-Saguenay; SPASTIC ATAXIA 6, AUTOSOMAL RECESSIVE; AUTOSOMAL RECESSIVE SPASTIC ATAXIA OF CHARLEVOIX-SAGUENAY. Identifiers: Orphanet 98, MedGen C1849140, MONDO:0010041, OMIM 270550.
Abnormal brain morphology. Also called: Abnormality of brain morphology. Identifiers: MedGen C4021085, HP:0012443.

Allele frequency attached by ClinVar (database versions not stated): TOPMed 0.00002.
gnomAD v4.1: 10 of 1,563,026 alleles (0.00064%); highest among the groups gnomAD compares: East Asian, 0.0022%; no homozygotes.

Submissions (16):

Natera, Inc.
Classification: Pathogenic for Charlevoix-Saguenay type spastic ataxia. Last evaluated: 2025-08-26. Review status: criteria provided, single submitter. Criteria: Natera Variant Classification Schema (03/2026). Collection method: clinical testing. Allele origin: germline.
Comment: The c.2182C>T variant in SACS is a nonsense variant predicted to introduce a stop codon at amino acid 728. This variant is expected to result in nonsense mediated decay, truncation, or a dysfunctional protein product. This variant is rare in the general population with a frequency below the threshold expected for the associated phenotype(s). This variant has been observed in one or more individuals affected with the associated recessive disease, as either homozygous or compound heterozygous with a second variant (PMID: 18465152, 26539891). Given the available evidence, this variant is classified as Pathogenic.

Baylor Genetics
Classification: Pathogenic for Charlevoix-Saguenay spastic ataxia. Last evaluated: 2024-03-22. Review status: criteria provided, single submitter. Criteria: ACMG Guidelines, 2015. Collection method: clinical testing. Allele origin: unknown.

GeneDx
Classification: Pathogenic. Last evaluated: 2023-12-09. Review status: criteria provided, single submitter. Criteria: GeneDx Variant Classification Process June 2021. Collection method: clinical testing. Allele origin: germline. Affected: yes.
Comment: Nonsense variant predicted to result in protein truncation, as the last 3852 amino acids are lost, and other loss-of-function variants have been reported downstream in HGMD; Not observed at significant frequency in large population cohorts (gnomAD); This variant is associated with the following publications: (PMID: 30638817, 30271475, 25525159, 18465152, 26539891, 31589614, 23497566, 35130357, 34791078)

Labcorp Genetics (formerly Invitae), Labcorp
Classification: Pathogenic for Spastic paraplegia. Last evaluated: 2023-10-28. Review status: criteria provided, single submitter. Criteria: Invitae Variant Classification Sherloc (09022015). Collection method: clinical testing. Allele origin: germline.
Comment: This sequence change creates a premature translational stop signal (p.Arg728*) in the SACS gene. While this is not anticipated to result in nonsense mediated decay, it is expected to disrupt the last 3852 amino acid(s) of the SACS protein. This variant is present in population databases (rs752059006, gnomAD 0.01%). This premature translational stop signal has been observed in individuals with spastic ataxia of Charlevoix-Saguenay (PMID: 18465152, 23497566, 26539891, 30271475, 30638817). ClinVar contains an entry for this variant (Variation ID: 280095). This variant disrupts a region of the SACS protein in which other variant(s) (p.Gln4054*) have been determined to be pathogenic (PMID: 18465152, 27288452). This suggests that this is a clinically significant region of the protein, and that variants that disrupt it are likely to be disease-causing. For these reasons, this variant has been classified as Pathogenic.

Laboratorio de Genetica e Diagnostico Molecular, Hospital Israelita Albert Einstein
Classification: Pathogenic for Charlevoix-Saguenay spastic ataxia. Last evaluated: 2023-09-28. Review status: criteria provided, single submitter. Criteria: ACMG Guidelines, 2015. Collection method: clinical testing. Allele origin: germline. Affected: yes.
Comment: ACMG classification criteria: PVS1 strong, PM2 supporting, PM3 strong

Blueprint Genetics
Classification: Pathogenic for SACS-related disorders. Last evaluated: 2023-02-16. Review status: criteria provided, single submitter. Criteria: ACMG Guidelines, 2015. Collection method: clinical testing. Allele origin: germline. Affected: yes. Observed: 2 variant alleles.

Broad Center for Mendelian Genomics, Broad Institute of MIT and Harvard
Classification: Likely pathogenic for Charlevoix-Saguenay spastic ataxia. Last evaluated: 2023-01-25. Review status: criteria provided, single submitter. Criteria: ACMG Guidelines, 2015. Collection method: curation. Allele origin: germline. Inheritance: Autosomal recessive inheritance.
Comment: The p.Arg728Ter variant in SACS has been previously reported in at least 5 unrelated individuals with spastic ataxia of the Charlevoix-Saguenay type (PMID: 34476298, PMID: 35130357, PMID: 26539891, PMID: 30638817, PMID: 23497566, PMID: 18465152) but has been identified in 0.01% (1/10046) of Ashkenazi Jewish chromosomes by the Genome Aggregation Database (gnomAD; dbSNP ID: rs752059006). Although this variant has been seen in the general population in a heterozygous state, its frequency is low enough to be consistent with a recessive carrier frequency. Of these 5 affected individuals, 2 were homozygotes (PMID: 18465152) and 3 were compound heterozygotes who carried variants of uncertain significance in trans (PMID: 23497566, PMID: 30638817, PMID: 26539891), which increases the likelihood that the p.Arg728Ter variant is pathogenic. This variant has also been reported in ClinVar (Variation ID: 280095) and has been interpreted as pathogenic or likely pathogenic by multiple submitters. This nonsense variant leads to a premature termination codon at position 728. Although this alteration occurs within the last 50bp of the second to last exon, it removes >50% of the protein and thus may lead to NMD. Loss of function of the SACS gene is an established disease mechanism of autosomal recessive spastic ataxia of the Charlevoix-Saguenay type. In summary, although additional studies are required to fully establish its clinical significance, this variant is likely pathogenic for autosomal recessive spastic ataxia of the Charlevoix-Saguenay type. ACMG/AMP Criteria applied: PVS1_Strong, PM2_Supporting, PM3 (Richards 2015).

Women's Health and Genetics/Laboratory Corporation of America, LabCorp
Classification: Pathogenic for Charlevoix-Saguenay spastic ataxia. Last evaluated: 2022-04-05. Review status: criteria provided, single submitter. Criteria: LabCorp Variant Classification Summary - May 2015. Collection method: clinical testing. Allele origin: germline.
Comment: Variant summary: SACS c.2182C>T (p.Arg728X) results in a premature termination codon, predicted to cause a truncation of the encoded protein or absence of the protein due to nonsense mediated decay, which are commonly known mechanisms for disease. Truncations downstream of this position have been classified as pathogenic by our laboratory. The variant allele was found at a frequency of 1.6e-05 in 250476 control chromosomes. c.2182C>T has been reported in the literature in multiple individuals affected with Autosomal Recessive Spastic Ataxia Of Charlevoix-Saguenay (example, Vermeer_2008, Synofzik_2013, Karaca_2015, Rezende_2019). These data indicate that the variant is very likely to be associated with disease. Five clinical diagnostic laboratories have submitted clinical-significance assessments for this variant to ClinVar after 2014 without evidence for independent evaluation. All laboratories classified the variant as pathogenic. Based on the evidence outlined above, the variant was classified as pathogenic.

Revvity Omics, Revvity
Classification: Likely pathogenic for Charlevoix-Saguenay spastic ataxia. Last evaluated: 2022-03-31. Review status: criteria provided, single submitter. Criteria: ACMG Guidelines, 2015. Collection method: clinical testing. Allele origin: germline.

PROSPAX: an integrated multimodal progression  chart in spastic ataxias, Center for Neurology; Hertie-Institute for Clinical Brain Research
Classification: Pathogenic for Charlevoix-Saguenay spastic ataxia. Last evaluated: 2022-01-01. Review status: criteria provided, single submitter. Criteria: ACMG Guidelines, 2015. Collection method: research. Allele origin: germline. Affected: yes. Observed: 2 variant alleles, 2 compound heterozygotes.

Genome-Nilou Lab
Classification: Pathogenic for Charlevoix-Saguenay spastic ataxia. Last evaluated: 2021-09-05. Review status: criteria provided, single submitter. Criteria: ACMG Guidelines, 2015. Collection method: clinical testing. Allele origin: germline. Affected: no.

CMT Laboratory, Bogazici University
Classification: Pathogenic for Charlevoix-Saguenay spastic ataxia. Last evaluated: 2020-12-01. Review status: criteria provided, single submitter. Criteria: ACMG Guidelines, 2015. Collection method: clinical testing. Allele origin: germline. Affected: yes. Observed: 1 variant allele.

Genome Diagnostics Laboratory, The Hospital for Sick Children
Classification: Pathogenic for Hereditary spastic paraplegia. Last evaluated: 2016-12-12. Review status: criteria provided, single submitter. Criteria: ACMG Guidelines, 2015. Collection method: clinical testing. Allele origin: germline. Affected: yes.

Lupski Lab, Baylor-Hopkins CMG, Baylor College of Medicine
Classification: Likely pathogenic for Abnormal brain morphology. Review status: criteria provided, single submitter. Criteria: Karaca et al. (Neuron 2015). Collection method: research. Allele origin: inherited. Inheritance: Autosomal recessive inheritance. Affected: yes.

Department of Biotechnology and Genetic Engineering, Kohat University of Science and Technology
Classification: Pathogenic for Charlevoix-Saguenay spastic ataxia. Last evaluated: 2023-10-28. Review status: no assertion criteria provided. Collection method: research. Allele origin: germline. Affected: yes. Not counted in ClinVar's aggregate classification.

Counsyl
Classification: Likely pathogenic for Charlevoix-Saguenay spastic ataxia. Last evaluated: 2014-01-02. Review status: no assertion criteria provided. Collection method: clinical testing. Allele origin: unknown. Not counted in ClinVar's aggregate classification.

Literature cited by the submitters: PubMed 18465152 (cited by 4 submitters); PubMed 26539891 (cited by 3 submitters); PubMed 23497566 (cited by 3 submitters); PubMed 30271475 (cited by Labcorp Genetics (formerly Invitae), Labcorp); PubMed 30638817 (cited by Labcorp Genetics (formerly Invitae), Labcorp and Women's Health and Genetics/Laboratory Corporation of America, LabCorp); PubMed 27288452 (cited by Labcorp Genetics (formerly Invitae), Labcorp); PubMed 31673878 (cited by CMT Laboratory, Bogazici University); PubMed 24418350 (cited by Department of Biotechnology and Genetic Engineering, Kohat University of Science and Technology).